The following is an entry in ClinVar:

ClinVar aggregate classification (germline): Uncertain significance. Review status: criteria provided, multiple submitters, no conflicts (2 of 4 stars). 3 submissions from 3 submitters: Uncertain significance (2). 1 of the submissions does not count toward it. Last evaluated 2025-09-21.

Conditions:
BBS1-related disorder. Also called: BBS1-related condition.
Bardet-Biedl syndrome 1 (BBS1). Identifiers: MedGen C2936862, MONDO:0008854, OMIM 209900. Disease mechanism: loss of function.

Allele frequency attached by ClinVar (database versions not stated): gnomAD 0.00001; gnomAD exomes below 0.00001.
gnomAD v4.1: 5 of 1,614,070 alleles (0.00031%); highest among the groups gnomAD compares: Middle Eastern, 0.016%; no homozygotes.

Submissions (3):

PreventionGenetics, part of Exact Sciences
Classification: Uncertain significance for BBS1-related condition. Last evaluated: 2025-09-21. Review status: criteria provided, single submitter. Criteria: ACMG Guidelines, 2015. Collection method: clinical testing. Allele origin: germline.
Comment: The BBS1 c.1528A>G variant is predicted to result in the amino acid substitution p.Thr510Ala. To our knowledge, this variant has not been reported in the literature or in a large population database (gnomAD), indicating this variant is rare. At this time, the clinical significance of this variant is uncertain due to the absence of conclusive functional and genetic evidence.

Fulgent Genetics
Classification: Uncertain significance for Bardet-Biedl syndrome 1. Last evaluated: 2022-03-28. Review status: criteria provided, single submitter. Criteria: ACMG Guidelines, 2015. Collection method: clinical testing. Allele origin: unknown.

Natera, Inc.
Classification: Uncertain significance for Bardet-Biedl syndrome type 1. Last evaluated: 2020-04-14. Review status: no assertion criteria provided. Collection method: clinical testing. Allele origin: germline. Not counted in ClinVar's aggregate classification.

NM_024649.5(BBS1):c.1528A>G (p.Thr510Ala)

Genes: BBS1 (Bardet-Biedl syndrome 1; plus strand), ZDHHC24 (zDHHC palmitoyltransferase 24; minus strand). Cytogenetic location: 11q13.2.
Variant type: single nucleotide variant.
Coding change: c.1528A>G on transcript NM_024649.5 (MANE Select); coding-DNA position 1528, A replaced by G.
Protein change: p.Thr510Ala; replaces threonine 510 with alanine.
Molecular consequence: missense variant. On other transcripts: intron variant (1).
Genome position (GRCh38, 1-based): chr11:66,530,948, A>G. VCF-style: chr11-66530948-A-G. GRCh37 (hg19) VCF-style: chr11-66298419-A-G.
Other names: c.560-1460T>C (NM_001348571.2); c.1528A>G (NM_024649.4); short protein forms T510A.
Identifiers: ClinVar variation 990495 (VCV000990495.5), dbSNP rs1856753561, ClinGen allele CA381425256.
Genomic context (GRCh38, chr11:66,530,948, plus strand): 5'-CCATAGGTTCAGGGCCTTGGCCCCACCTTTAAGCTCACACTTCACCTGCAGAACACCTCA[A>G]CAACCCGTCCTGTCCTGGGGCTGCTGGTCTGCTTCCTGTACAACGAGGCGCTCTATTCCC-3'
Protein context (NP_078925.3, residues 500-520): KLTLHLQNTS[Thr510Ala]TRPVLGLLVC